The following is an entry in ClinVar:

ClinVar aggregate classification (germline): Uncertain significance (1 of 4 stars; one submission).

Conditions:
EAST syndrome (SESAMES). Also called: SEIZURES, SENSORINEURAL DEAFNESS, ATAXIA, IMPAIRED INTELLECTUAL DEVELOPMENT, AND ELECTROLYTE IMBALANCE. Identifiers: Orphanet 199343, MedGen C2748572, MONDO:0013005, OMIM 612780.

Submission:

Labcorp Genetics (formerly Invitae), Labcorp
Classification: Uncertain significance for EAST syndrome. Last evaluated: 2025-09-07. Review status: criteria provided, single submitter. Criteria: Invitae Variant Classification Sherloc (09022015). Collection method: clinical testing. Allele origin: germline.
Comment: This sequence change replaces leucine, which is neutral and non-polar, with phenylalanine, which is neutral and non-polar, at codon 70 of the KCNJ10 protein (p.Leu70Phe). This variant is not present in population databases (gnomAD no frequency). This variant has not been reported in the literature in individuals affected with KCNJ10-related conditions. ClinVar contains an entry for this variant (Variation ID: 1018116). Invitae Evidence Modeling of protein sequence and biophysical properties (such as structural, functional, and spatial information, amino acid conservation, physicochemical variation, residue mobility, and thermodynamic stability) indicates that this missense variant is not expected to disrupt KCNJ10 protein function with a negative predictive value of 95%. In summary, the available evidence is currently insufficient to determine the role of this variant in disease. Therefore, it has been classified as a Variant of Uncertain Significance.

NM_002241.5(KCNJ10):c.208C>T (p.Leu70Phe)

Gene: KCNJ10 (potassium inwardly rectifying channel subfamily J member 10; minus strand). Cytogenetic location: 1q23.2.
Variant type: single nucleotide variant.
Coding change: c.208C>T on transcript NM_002241.5 (MANE Select); coding-DNA position 208, C replaced by T.
Protein change: p.Leu70Phe; replaces leucine 70 with phenylalanine.
Molecular consequence: missense variant.
Genome position (GRCh38, 1-based): chr1:160,042,325, G>A on the plus strand (C>T on the coding strand, the complement: KCNJ10 is on the minus strand). VCF-style: chr1-160042325-G-A. GRCh37 (hg19) VCF-style: chr1-160012115-G-A.
Other names: short protein forms L70F.
Identifiers: ClinVar variation 1018116 (VCV001018116.9), dbSNP rs1648628910, ClinGen allele CA343229572.